The following is an entry in ClinVar:

NM_153252.5(BRWD3):c.1387-5T>C

Gene: BRWD3 (bromodomain and WD repeat domain containing 3; minus strand). Cytogenetic location: Xq21.1.
Variant type: single nucleotide variant.
Coding change: c.1387-5T>C on transcript NM_153252.5 (MANE Select); 5 bases into the intron before coding-DNA position 1387, T replaced by C.
Molecular consequence: intron variant.
Genome position (GRCh38, 1-based): chrX:80,725,072, A>G on the plus strand (T>C on the coding strand, the complement: BRWD3 is on the minus strand). VCF-style: chrX-80725072-A-G. GRCh37 (hg19) VCF-style: chrX-79980571-A-G.
Identifiers: ClinVar variation 1805484 (VCV001805484.1), dbSNP rs2520332842, ClinGen allele CA923726153.

ClinVar aggregate classification (germline): Uncertain significance (1 of 4 stars; one submission).

Conditions:
Intellectual developmental disorder, X-linked 93. Also called: MENTAL RETARDATION, X-LINKED, WITH MACROCEPHALY; Intellectual disability, X-linked 93. Identifiers: MedGen C1970841, MONDO:0010393, OMIM 300659.

Allele frequency attached by ClinVar (database versions not stated): gnomAD exomes 0.00001.
gnomAD v4.1: 9 of 1,206,559 alleles (0.00075%); highest among the groups gnomAD compares: Non-Finnish European, 0.001%; no homozygotes.

Submission:

Victorian Clinical Genetics Services, Murdoch Childrens Research Institute
Classification: Uncertain significance for Intellectual developmental disorder, X-linked 93. Last evaluated: 2020-05-21. Review status: criteria provided, single submitter. Criteria: ACMG Guidelines, 2015. Collection method: clinical testing. Allele origin: germline. Inheritance: X-linked recessive inheritance.
Comment: Based on the classification scheme VCGS_Germline_v1.1.1, this variant is classified as 3C-VUS. Following criteria are met: 0102 - Loss-of-function is a known mechanism of disease for this gene. (N) 0109 - This gene is known to be associated with X-linked recessive disease. (N) 0212 - Non-canonical splice variant without proven consequence on splicing (no functional evidence available) (intron 14 of 40). (P) 0253 - Variant is hemizygous. (N) 0301 - Variant is absent from gnomAD. (P) 0506 - Abnormal splicing is not predicted and nucleotide is poorly conserved. (B) 0705 - No comparable variants have previous evidence for pathogenicity. (N) 0807 - Variant has not previously been reported in a clinical context. (N) 0905 - No segregation evidence has been identified for this variant. (N) 1007 - No published functional evidence has been identified for this variant. (N) 1208 - Inheritance information for this variant is not currently available. (N) Legend: (P) - Pathogenic, (N) - Neutral, (B) - Benign